The following is an entry in ClinVar:

ClinVar aggregate classification (germline): Conflicting classifications of pathogenicity. Review status: criteria provided, conflicting classifications (1 of 4 stars). 2 submissions from 2 submitters: Uncertain significance (1); Likely benign (1). Last evaluated 2026-08-06.

Conditions:
Cardiovascular phenotype. Identifiers: MedGen CN230736.
Hereditary cancer-predisposing syndrome. Also called: Hereditary Cancer Syndrome; Hereditary neoplastic syndrome; Neoplastic Syndromes, Hereditary; Tumor predisposition. Identifiers: Orphanet 140162, MedGen C0027672, MeSH D009386, MONDO:0015356.
Neurofibromatosis, type 1 (NF1). Also called: VON RECKLINGHAUSEN DISEASE; Peripheral type neurofibromatosis; Neurofibromatosis, type I; NEUROFIBROMATOSIS, TYPE I, SOMATIC. Identifiers: Orphanet 636, MedGen C0027831, MONDO:0018975, OMIM 162200. Disease mechanism: loss of function.

Submissions (2):

Ambry Genetics
Classification: Likely benign for Cardiovascular phenotype; Hereditary cancer-predisposing syndrome. Last evaluated: 2026-08-06. Review status: criteria provided, single submitter. Criteria: Ambry Variant Classification Scheme 2023. Collection method: clinical testing. Allele origin: germline.

Labcorp Genetics (formerly Invitae), Labcorp
Classification: Uncertain significance for Neurofibromatosis, type 1. Last evaluated: 2022-02-01. Review status: criteria provided, single submitter. Criteria: Invitae Variant Classification Sherloc (09022015). Collection method: clinical testing. Allele origin: germline.
Comment: In summary, the available evidence is currently insufficient to determine the role of this variant in disease. Therefore, it has been classified as a Variant of Uncertain Significance. Advanced modeling of protein sequence and biophysical properties (such as structural, functional, and spatial information, amino acid conservation, physicochemical variation, residue mobility, and thermodynamic stability) performed at Invitae indicates that this missense variant is not expected to disrupt NF1 protein function. This variant has not been reported in the literature in individuals affected with NF1-related conditions. This variant is not present in population databases (gnomAD no frequency). This sequence change replaces leucine, which is neutral and non-polar, with valine, which is neutral and non-polar, at codon 2734 of the NF1 protein (p.Leu2734Val).

NM_001042492.3(NF1):c.8263C>G (p.Leu2755Val)

Gene: NF1 (neurofibromin 1; plus strand). Cytogenetic location: 17q11.2.
Variant type: single nucleotide variant.
Coding change: c.8263C>G on transcript NM_001042492.3 (MANE Select); coding-DNA position 8263, C replaced by G.
Protein change: p.Leu2755Val; replaces leucine 2755 with valine.
Molecular consequence: missense variant.
Genome position (GRCh38, 1-based): chr17:31,360,589, C>G. VCF-style: chr17-31360589-C-G. GRCh37 (hg19) VCF-style: chr17-29687607-C-G.
Other names: c.8200C>G, p.Leu2734Val (NM_000267.4); short protein forms L2734V, L2755V.
Identifiers: ClinVar variation 1762446 (VCV001762446.8), dbSNP rs2151587966, ClinGen allele CA399204744.